The following is an entry in ClinVar:

ClinVar aggregate classification (germline): Conflicting classifications of pathogenicity. Review status: criteria provided, conflicting classifications (1 of 4 stars). 3 submissions from 3 submitters: Pathogenic (1); Likely pathogenic (1); Uncertain significance (1). Last evaluated 2026-05-04.

Conditions:
Ataxia. Identifiers: MedGen C0004134, HP:0001251.
Spinocerebellar ataxia, autosomal recessive 33 (SCAR33). Identifiers: MedGen C5774297, MONDO:0859360, OMIM 620208.

Submissions (3):

Undiagnosed Diseases Network, NIH
Classification: Pathogenic for Spinocerebellar ataxia, autosomal recessive 33. Last evaluated: 2026-05-04. Review status: criteria provided, single submitter. Criteria: ACMG Guidelines, 2015. Collection method: clinical testing. Allele origin: maternal. Affected: yes. Observed: 1 variant allele, 1 compound heterozygote. Study: Undiagnosed Diseases Network (NIH), UDN.

3billion
Classification: Uncertain significance for Spinocerebellar ataxia, autosomal recessive 33. Last evaluated: 2025-11-19. Review status: criteria provided, single submitter. Criteria: ACMG Guidelines, 2015. Collection method: clinical testing. Allele origin: germline. Affected: yes.
Comment: The variant is observed at an extremely low frequency in the gnomAD v4.1.0 dataset (total allele frequency: 0.017%). Predicted Consequence/Location: non_coding_transcript_exon_variant The variant has been reported to be associated with RNU12-related disorder (ClinVar ID: VCV003897936). Therefore, this variant is classified as VUS according to the recommendation of ACMG/AMP guideline.

Clinical Genetics Laboratory, Skane University Hospital Lund
Classification: Likely pathogenic for Ataxia. Last evaluated: 2025-11-06. Review status: criteria provided, single submitter. Criteria: ACMG Guidelines, 2015. Collection method: clinical testing. Allele origin: germline. Inheritance: Autosomal recessive inheritance. Affected: yes.
Comment: ACMG criteria used: PM1, PM2, PP1 and PP4. The variant was detected in trans (confirmed in trio) with another likely pathogenic RNU12-variant (n.139G>T).

NR_029422.2(RNU12):n.141G>C

Gene: RNU12 (RNA, U12 small nuclear; plus strand). Cytogenetic location: 22q13.2.
Variant type: single nucleotide variant.
Molecular consequence: non-coding transcript variant (on NR_029422.2).
Genome position: GRCh38 VCF-style: chr22-42615384-G-C. GRCh37 (hg19) VCF-style: chr22-43011390-G-C.
Identifiers: ClinVar variation 4526713 (VCV004526713.3).
Genomic context (GRCh38, chr22:42,615,384, plus strand): 5'-GAGCGGGTAAAGGTCGCCCTCAAGGTGACCCGCCTACTTTGCGGGATGCCTGGGAGTTGC[G>C]ATCTGCCCGACCTTATTCACGCCTAAAAAGTAGACTGACTGTGGGGTGGTCGTGTTTTTT-3'